The following is an entry in ClinVar:

NM_003072.5(SMARCA4):c.3794del (p.Gly1265fs)

Gene: SMARCA4 (SWI/SNF related BAF chromatin remodeling complex subunit ATPase 4; plus strand). Cytogenetic location: 19p13.2.
Variant type: Deletion.
Coding change: c.3794del on transcript NM_003072.5 (MANE Select); coding-DNA position 3794, one base deleted (G; older notation c.3794delG).
Protein change: p.Gly1265fs; shifts the reading frame from glycine 1265.
Molecular consequence: frameshift variant. On other transcripts: intron variant (5).
Genome position (GRCh38, 1-based): chr19:11,033,786, G deleted; the last of 3 consecutive G bases (chr19:11,033,784-11,033,786); deleting any one gives the same sequence. VCF-style (leftmost placement, unchanged base first): chr19-11033783-CG-C. GRCh37 (hg19) VCF-style: chr19-11144459-CG-C.
Other names: c.3794del, p.Gly1265fs (NM_001128844.3, NM_001128849.3, NM_001387283.1); c.3774+269del (NM_001128847.4, NM_001374457.1, NM_001128845.2 and 2 more transcripts); short protein forms G1265fs.
Identifiers: ClinVar variation 1734967 (VCV001734967.2), dbSNP rs2515301461, ClinGen allele CA2580096308.

ClinVar aggregate classification (germline): Uncertain significance (1 of 4 stars; one submission).

Conditions:
Hereditary cancer-predisposing syndrome. Also called: Neoplastic Syndromes, Hereditary; Tumor predisposition; Hereditary Cancer Syndrome; Hereditary neoplastic syndrome. Identifiers: Orphanet 140162, MedGen C0027672, MeSH D009386, MONDO:0015356.

Submission:

Ambry Genetics
Classification: Uncertain significance for Hereditary cancer-predisposing syndrome. Last evaluated: 2020-10-13. Review status: criteria provided, single submitter. Criteria: Ambry Variant Classification Scheme 2023. Collection method: clinical testing. Allele origin: germline.
Comment: The c.3794delG variant, located in coding exon 26 of the SMARCA4 gene, results from a deletion of one nucleotide at nucleotide position 3794, causing a translational frameshift with a predicted alternate stop codon (p.G1265Afs*26). This alteration is expected to result in premature protein truncation or nonsense-mediated mRNA decay. However, this region of the SMARCA4 gene is excluded from other biologically relevant transcripts. Since supporting evidence is limited at this time, the clinical significance of this alteration remains unclear.